The following is an entry in ClinVar:

NM_004385.5(VCAN):c.5686G>A (p.Ala1896Thr)

Genes: VCAN (versican; plus strand), VCAN-AS1 (VCAN antisense RNA 1; minus strand). Cytogenetic location: 5q14.3.
Variant type: single nucleotide variant.
Coding change: c.5686G>A on transcript NM_004385.5 (MANE Select); coding-DNA position 5686, G replaced by A.
Protein change: p.Ala1896Thr; replaces alanine 1896 with threonine.
Molecular consequence: missense variant. On other transcripts: intron variant (2).
Genome position (GRCh38, 1-based): chr5:83,538,689, G>A. VCF-style: chr5-83538689-G-A. GRCh37 (hg19) VCF-style: chr5-82834508-G-A.
Other names: c.2725G>A, p.Ala909Thr (NM_001164097.2); c.4004-6848G>A (NM_001164098.2); c.1043-6848G>A (NM_001126336.3); short protein forms A1896T, A909T.
Identifiers: ClinVar variation 1714758 (VCV001714758.5), dbSNP rs2479109633, ClinGen allele CA360310928.

ClinVar aggregate classification (germline): Uncertain significance (1 of 4 stars; one submission).

Submission:

Labcorp Genetics (formerly Invitae), Labcorp
Classification: Uncertain significance. Last evaluated: 2022-08-01. Review status: criteria provided, single submitter. Criteria: Invitae Variant Classification Sherloc (09022015). Collection method: clinical testing. Allele origin: germline.
Comment: This sequence change replaces alanine, which is neutral and non-polar, with threonine, which is neutral and polar, at codon 1896 of the VCAN protein (p.Ala1896Thr). This variant is not present in population databases (gnomAD no frequency). This variant has not been reported in the literature in individuals affected with VCAN-related conditions. Algorithms developed to predict the effect of missense changes on protein structure and function output the following: SIFT: "Deleterious"; PolyPhen-2: "Benign"; Align-GVGD: "Class C0". The threonine amino acid residue is found in multiple mammalian species, which suggests that this missense change does not adversely affect protein function. In summary, the available evidence is currently insufficient to determine the role of this variant in disease. Therefore, it has been classified as a Variant of Uncertain Significance.